The following is an entry in ClinVar:

NM_175929.3(FGF14):c.158T>C (p.Met53Thr)

Gene: FGF14 (fibroblast growth factor 14; minus strand). Cytogenetic location: 13q33.1.
Variant type: single nucleotide variant.
Coding change: c.158T>C on transcript NM_175929.3 (MANE Plus Clinical); coding-DNA position 158, T replaced by C.
Protein change: p.Met53Thr; replaces methionine 53 with threonine.
Molecular consequence: missense variant. On other transcripts: 5 prime UTR variant (8), initiator codon variant (1).
Genome position (GRCh38, 1-based): chr13:102,401,521, A>G on the plus strand (T>C on the coding strand, the complement: FGF14 is on the minus strand). VCF-style: chr13-102401521-A-G. GRCh37 (hg19) VCF-style: chr13-103053871-A-G.
Other names: c.158T>C, p.Met53Thr (NM_001321937.2, NM_001321939.2); c.-275T>C (NM_001321938.2, NM_001321940.1); c.-111T>C (NM_001321941.2); c.-184T>C (NM_001321942.1); c.-221T>C (NM_001321943.1); c.-374T>C (NM_001321944.1); c.41T>C, p.Met14Thr (NM_001321945.2, NM_001321948.2, NM_001379342.1); c.-279T>C (NM_001321946.2, NM_001321949.1); and 1 more; short protein forms M14T, M1T, M53T.
Identifiers: ClinVar variation 2631003 (VCV002631003.1), dbSNP rs2503618046, ClinGen allele CA388672081.

ClinVar aggregate classification (germline): Uncertain significance (1 of 4 stars; one submission).

Conditions:
FGF14-related disorder. Also called: FGF14-related condition.

Submission:

PreventionGenetics, part of Exact Sciences
Classification: Uncertain significance for FGF14-related condition. Last evaluated: 2023-09-16. Review status: criteria provided, single submitter. Criteria: ACMG Guidelines, 2015. Collection method: clinical testing. Allele origin: germline.
Comment: The FGF14 c.2T>C variant is predicted to disrupt the translation initiation site (Start Loss). This variant is referred to as c.-484876T>C (pre-coding) with an alternate transcript NM_004115. To our knowledge, this variant has not been reported in the literature or in a large population database, indicating this variant is rare. At this time, the clinical significance of this variant is uncertain due to the absence of conclusive functional and genetic evidence.